The following is an entry in ClinVar:

ClinVar aggregate classification (germline): Uncertain significance. Review status: criteria provided, multiple submitters, no conflicts (2 of 4 stars). 2 submissions from 2 submitters: Uncertain significance (2). Last evaluated 2026-05-18.

Conditions:
DDX3X-related disorder. Also called: DDX3X-related condition.

Submissions (2):

PreventionGenetics, part of Exact Sciences
Classification: Uncertain significance for DDX3X-related condition. Last evaluated: 2026-05-18. Review status: criteria provided, single submitter. Criteria: ACMG Guidelines, 2015. Collection method: clinical testing. Allele origin: germline.
Comment: The DDX3X c.1399G>A variant is predicted to result in the amino acid substitution p.Ala467Thr. To our knowledge, this variant has not been reported in the literature or in a large population database (gnomAD), indicating this variant is rare. An alternative amino acid alteration at this same location (p.Ala467Ser) has been reported in a patient with DDX3X syndrome (Lennox et al. 2020. PubMed ID: 32135084). At this time the clinical significance of this variant is uncertain due to the absence of conclusive functional and genetic evidence.

Labcorp Genetics (formerly Invitae), Labcorp
Classification: Uncertain significance. Last evaluated: 2022-03-08. Review status: criteria provided, single submitter. Criteria: Invitae Variant Classification Sherloc (09022015). Collection method: clinical testing. Allele origin: germline.
Comment: This sequence change replaces alanine, which is neutral and non-polar, with threonine, which is neutral and polar, at codon 467 of the DDX3X protein (p.Ala467Thr). This variant is not present in population databases (gnomAD no frequency). This variant has not been reported in the literature in individuals affected with DDX3X-related conditions. Algorithms developed to predict the effect of missense changes on protein structure and function are either unavailable or do not agree on the potential impact of this missense change (SIFT: "Tolerated"; PolyPhen-2: "Not Available"; Align-GVGD: "Class C0"). In summary, the available evidence is currently insufficient to determine the role of this variant in disease. Therefore, it has been classified as a Variant of Uncertain Significance.

NM_001356.5(DDX3X):c.1399G>A (p.Ala467Thr)

Gene: DDX3X (DEAD-box helicase 3 X-linked; plus strand). Cytogenetic location: Xp11.4.
Variant type: single nucleotide variant.
Coding change: c.1399G>A on transcript NM_001356.5 (MANE Select); coding-DNA position 1399, G replaced by A.
Protein change: p.Ala467Thr; replaces alanine 467 with threonine.
Molecular consequence: missense variant. On other transcripts: non-coding transcript variant (1).
Genome position (GRCh38, 1-based): chrX:41,346,312, G>A. VCF-style: chrX-41346312-G-A. GRCh37 (hg19) VCF-style: chrX-41205565-G-A.
Other names: c.1399G>A, p.Ala467Thr (NM_001193416.3); c.1351G>A, p.Ala451Thr (NM_001193417.3); c.841G>A, p.Ala281Thr (NM_001363819.1); c.1399G>A (NM_001193416.2); short protein forms A451T, A467T, A281T.
Identifiers: ClinVar variation 1488656 (VCV001488656.9), dbSNP rs2147358490, ClinGen allele CA412774981.
Genomic context (GRCh38, chrX:41,346,312, plus strand): 5'-TTTGTGGAGACCAAAAAGGGTGCAGATTCTCTGGAGGATTTCTTATACCATGAAGGATAC[G>A]CATGTACCAGCATCCATGGAGACCGTTCTCAGAGGGATAGAGAAGAGGCCCTTCACCAGT-3'
Protein context (NP_001347.3, residues 457-477): LEDFLYHEGY[Ala467Thr]CTSIHGDRSQ